The following is an entry in ClinVar:

ClinVar aggregate classification (germline): Likely benign. Review status: criteria provided, multiple submitters, no conflicts (2 of 4 stars). 3 submissions from 3 submitters: Likely benign (3). Last evaluated 2026-02-22.

Conditions:
SLC34A1-related disorder. Also called: SLC34A1-related disorders; SLC34A1-related condition.

Allele frequency attached by ClinVar (database versions not stated): TOPMed 0.00006; gnomAD 0.00007; ESP Exome Variant Server 0.00008; 1000 Genomes Project 30x 0.00016; ExAC 0.00017; 1000 Genomes Project 0.00020; gnomAD exomes 0.00022.
gnomAD v4.1: 144 of 1,614,080 alleles (0.0089%); highest among the groups gnomAD compares: African/African-American, 0.053%; 1 homozygote.

Submissions (3):

PreventionGenetics, part of Exact Sciences
Classification: Likely benign for SLC34A1-related condition. Last evaluated: 2026-02-22. Review status: criteria provided, single submitter. Criteria: ACMG Guidelines, 2015. Collection method: clinical testing. Allele origin: germline.
Comment: This variant is classified as likely benign based on ACMG/AMP sequence variant interpretation guidelines (Richards et al. 2015 PMID: 25741868, with internal and published modifications).

Labcorp Genetics (formerly Invitae), Labcorp
Classification: Likely benign. Last evaluated: 2025-09-02. Review status: criteria provided, single submitter. Criteria: Invitae Variant Classification Sherloc (09022015). Collection method: clinical testing. Allele origin: germline.

Breakthrough Genomics
Classification: Likely benign. Review status: criteria provided, single submitter. Criteria: ACMG Guidelines, 2015. Collection method: not provided. Allele origin: germline. Inheritance: Autosomal recessive inheritance. Affected: yes.

NM_003052.5(SLC34A1):c.1362G>A (p.Thr454=)

Gene: SLC34A1 (solute carrier family 34 member 1; plus strand). Cytogenetic location: 5q35.3.
Variant type: single nucleotide variant.
Coding change: c.1362G>A on transcript NM_003052.5 (MANE Select); coding-DNA position 1362, G replaced by A.
Protein change: p.Thr454=; no amino-acid change (threonine 454 retained).
Molecular consequence: synonymous variant.
Genome position (GRCh38, 1-based): chr5:177,397,020, G>A. VCF-style: chr5-177397020-G-A. GRCh37 (hg19) VCF-style: chr5-176824021-G-A.
Other names: c.1362G>A (NM_003052.4).
Identifiers: ClinVar variation 1571679 (VCV001571679.10), dbSNP rs141180581, ClinGen allele CA3580764.
Genomic context (GRCh38, chr5:177,397,020, plus strand): 5'-GATCAGCATTGAGAGGGCCTACCCGCTCACACTGGGTTCCAACATCGGCACCACCACCAC[G>A]GCCATCCTGGCTGCCCTGGCCAGCCCCAGGGAGAAGCTGTCCAGCGCTTTCCAGGTGCGC-3'
Protein context (NP_003043.3, residues 444-464): TLGSNIGTTT[Thr454=]AILAALASPR